The following is an entry in ClinVar:

NM_000051.4(ATM):c.237A>C (p.Lys79Asn)

Gene: ATM (ATM serine/threonine kinase; plus strand). Cytogenetic location: 11q22.3.
Variant type: single nucleotide variant.
Coding change: c.237A>C on transcript NM_000051.4 (MANE Select); coding-DNA position 237, A replaced by C.
Protein change: p.Lys79Asn; replaces lysine 79 with asparagine.
Molecular consequence: missense variant.
Genome position (GRCh38, 1-based): chr11:108,229,229, A>C. VCF-style: chr11-108229229-A-C. GRCh37 (hg19) VCF-style: chr11-108099956-A-C.
Other names: c.237A>C, p.Lys79Asn (NM_001351834.2, NM_001351835.2, NM_001351836.2); short protein forms K79N.
Identifiers: ClinVar variation 3802954 (VCV003802954.1).

ClinVar aggregate classification (germline): Uncertain significance (1 of 4 stars; one submission).

Conditions:
Hereditary cancer-predisposing syndrome. Also called: Neoplastic Syndromes, Hereditary; Hereditary Cancer Syndrome; Tumor predisposition; Hereditary neoplastic syndrome. Identifiers: Orphanet 140162, MedGen C0027672, MeSH D009386, MONDO:0015356.

Submission:

Ambry Genetics
Classification: Uncertain significance for Hereditary cancer-predisposing syndrome. Last evaluated: 2025-02-25. Review status: criteria provided, single submitter. Criteria: Ambry Variant Classification Scheme 2023. Collection method: clinical testing. Allele origin: germline.
Comment: The p.K79N variant (also known as c.237A>C), located in coding exon 3 of the ATM gene, results from an A to C substitution at nucleotide position 237. The lysine at codon 79 is replaced by asparagine, an amino acid with similar properties. This amino acid position is conserved. In addition, this alteration is predicted to be tolerated by in silico analysis. Based on the available evidence, the clinical significance of this variant remains unclear.